The following is an entry in ClinVar:

NM_000827.4(GRIA1):c.882C>T (p.Tyr294=)

Gene: GRIA1 (glutamate ionotropic receptor AMPA type subunit 1; plus strand). Cytogenetic location: 5q33.2.
Variant type: single nucleotide variant.
Coding change: c.882C>T on transcript NM_000827.4 (MANE Select); coding-DNA position 882, C replaced by T.
Protein change: p.Tyr294=; no amino-acid change (tyrosine 294 retained).
Molecular consequence: synonymous variant. On other transcripts: non-coding transcript variant (2), intron variant (1).
Genome position (GRCh38, 1-based): chr5:153,677,014, C>T. VCF-style: chr5-153677014-C-T. GRCh37 (hg19) VCF-style: chr5-153056574-C-T.
Other names: c.882C>T, p.Tyr294= (NM_001114183.2); c.642C>T, p.Tyr214= (NM_001258019.2); c.597C>T, p.Tyr199= (NM_001258020.2); c.912C>T, p.Tyr304= (NM_001258021.2, NM_001258022.2); c.675C>T, p.Tyr225= (NM_001258023.1, NM_001364167.2); c.909C>T, p.Tyr303= (NM_001364166.2); c.861+2353C>T (NM_001364165.2).
Identifiers: ClinVar variation 785152 (VCV000785152.7), dbSNP rs114632468, ClinGen allele CA3524455.
Genomic context (GRCh38, chr5:153,677,014, plus strand): 5'-GCTCTCTTTGATACCTAACTGTCTCCATTCCTCCCACTAGTACACCTCTGCGCTCACCTA[C>T]GATGGGGTGAAGGTGATGGCTGAGGCTTTCCAGAGCCTGCGGAGGCAGAGAATTGATATA-3'
Protein context (NP_000818.2, residues 284-304): KRPKYTSALT[Tyr294=]DGVKVMAEAF

ClinVar aggregate classification (germline): Benign/Likely benign. Review status: criteria provided, multiple submitters, no conflicts (2 of 4 stars). 2 submissions from 2 submitters: Benign (1); Likely benign (1). Last evaluated 2026-09-01.

Allele frequency attached by ClinVar (database versions not stated): gnomAD exomes 0.00018 and 0.00059; ExAC 0.00075; gnomAD 0.00211 and 0.00227; ESP Exome Variant Server 0.00254; 1000 Genomes Project 0.00280; 1000 Genomes Project 30x 0.00297; TOPMed 0.00233.
gnomAD v4.1: 577 of 1,520,162 alleles (0.038%); highest among the groups gnomAD compares: African/African-American, 0.69%; no homozygotes.

Submissions (2):

CeGaT Center for Human Genetics Tuebingen
Classification: Likely benign. Last evaluated: 2026-09-01. Review status: criteria provided, single submitter. Criteria: CeGaT Center For Human Genetics Tuebingen Variant Classification Criteria Version 2. Collection method: clinical testing. Allele origin: germline. Affected: yes. Observed: 2 variant alleles.
Comment: GRIA1: BP4, BP7

Labcorp Genetics (formerly Invitae), Labcorp
Classification: Benign. Last evaluated: 2018-12-26. Review status: criteria provided, single submitter. Criteria: Invitae Variant Classification Sherloc (09022015). Collection method: clinical testing. Allele origin: germline.